The following is an entry in ClinVar:

ClinVar aggregate classification (germline): Uncertain significance. Review status: criteria provided, multiple submitters, no conflicts (2 of 4 stars). 2 submissions from 2 submitters: Uncertain significance (2). Last evaluated 2026-05-26.

Conditions:
Inborn genetic diseases. Identifiers: MedGen C0950123, MeSH D030342.

Allele frequency attached by ClinVar (database versions not stated): TOPMed 0.00001; gnomAD 0.00001; gnomAD exomes below 0.00001.
gnomAD v4.1: 3 of 1,613,752 alleles (0.00019%); highest among the groups gnomAD compares: African/African-American, 0.0027%; no homozygotes.

Submissions (2):

Ambry Genetics
Classification: Uncertain significance for Inborn genetic diseases. Last evaluated: 2026-05-26. Review status: criteria provided, single submitter. Criteria: Ambry Variant Classification Scheme 2023. Collection method: clinical testing. Allele origin: germline.

Labcorp Genetics (formerly Invitae), Labcorp
Classification: Uncertain significance. Last evaluated: 2022-08-27. Review status: criteria provided, single submitter. Criteria: Invitae Variant Classification Sherloc (09022015). Collection method: clinical testing. Allele origin: germline.
Comment: In summary, the available evidence is currently insufficient to determine the role of this variant in disease. Therefore, it has been classified as a Variant of Uncertain Significance. Advanced modeling of protein sequence and biophysical properties (such as structural, functional, and spatial information, amino acid conservation, physicochemical variation, residue mobility, and thermodynamic stability) performed at Invitae indicates that this missense variant is expected to disrupt COL4A2 protein function. This variant has not been reported in the literature in individuals affected with COL4A2-related conditions. This variant is present in population databases (no rsID available, gnomAD 0.007%). This sequence change replaces glycine, which is neutral and non-polar, with arginine, which is basic and polar, at codon 85 of the COL4A2 protein (p.Gly85Arg).

NM_001846.4(COL4A2):c.253G>A (p.Gly85Arg)

Gene: COL4A2 (collagen type IV alpha 2 chain; plus strand). Cytogenetic location: 13q34.
Variant type: single nucleotide variant.
Coding change: c.253G>A on transcript NM_001846.4 (MANE Select); coding-DNA position 253, G replaced by A.
Protein change: p.Gly85Arg; replaces glycine 85 with arginine.
Molecular consequence: missense variant.
Genome position (GRCh38, 1-based): chr13:110,424,806, G>A. VCF-style: chr13-110424806-G-A. GRCh37 (hg19) VCF-style: chr13-111077153-G-A.
Other names: c.253G>A (NM_001846.2); short protein forms G85R.
Identifiers: ClinVar variation 2414422 (VCV002414422.7), dbSNP rs1294757187, ClinGen allele CA388728012.